The following is an entry in ClinVar:

NM_007294.4(BRCA1):c.4993G>T (p.Val1665Leu)

Gene: BRCA1 (BRCA1 DNA repair associated; minus strand). Cytogenetic location: 17q21.31.
Variant type: single nucleotide variant.
Coding change: c.4993G>T on transcript NM_007294.4 (MANE Select); coding-DNA position 4993, G replaced by T.
Protein change: p.Val1665Leu; replaces valine 1665 with leucine.
Molecular consequence: missense variant. On other transcripts: non-coding transcript variant (1).
Genome position (GRCh38, 1-based): chr17:43,067,689, C>A on the plus strand (G>T on the coding strand, the complement: BRCA1 is on the minus strand). VCF-style: chr17-43067689-C-A. GRCh37 (hg19) VCF-style: chr17-41219706-C-A.
Other names: c.4729G>T, p.Val1577Leu (NM_001407924.1, NM_001407925.1, NM_001407926.1 and 4 more transcripts); c.4726G>T, p.Val1576Leu (NM_001407927.1, NM_001407928.1, NM_001407929.1 and 4 more transcripts); c.4852G>T, p.Val1618Leu (NM_001407942.1, NM_007297.4, NM_001407692.1 and 13 more transcripts); c.4849G>T, p.Val1617Leu (NM_001407943.1, NM_001407944.1, NM_001407945.1 and 21 more transcripts); c.4660G>T, p.Val1554Leu (NM_001407946.1, NM_001407947.1, NM_001407948.1 and 1 more transcripts); c.4657G>T, p.Val1553Leu (NM_001407950.1, NM_001407951.1, NM_001407952.1 and 3 more transcripts); c.4609G>T, p.Val1537Leu (NM_001407962.1, NM_001407960.1); c.4606G>T, p.Val1536Leu (NM_001407963.1); and 70 more; short protein forms V1618L, V1665L, V1686L, V561L, V1369L, V1536L, V1552L, V1593L.
Identifiers: ClinVar variation 825349 (VCV000825349.8), dbSNP rs80357169, ClinGen allele CA10591532.
Genomic context (GRCh38, chr17:43,067,689, plus strand): 5'-TAGTCTCTTCAGTAATTAGATTAGTTAAAGTGATGTGGTGTTTTCTGGCAAACTTGTACA[C>A]GAGCATCTGAAATTAAATCAAATATTCCATTATCATGAGTTACCTCTAGCACACAGCTCA-3'
Protein context (NP_009225.1, residues 1655-1675): SGLTPEEFML[Val1665Leu]YKFARKHHIT

ClinVar aggregate classification (germline): Uncertain significance. Review status: criteria provided, multiple submitters, no conflicts (2 of 4 stars). 3 submissions from 3 submitters: Uncertain significance (3). Last evaluated 2025-09-09.

Conditions:
Hereditary cancer-predisposing syndrome. Also called: Hereditary Cancer Syndrome; Hereditary neoplastic syndrome; Neoplastic Syndromes, Hereditary; Tumor predisposition. Identifiers: Orphanet 140162, MedGen C0027672, MeSH D009386, MONDO:0015356.
Hereditary breast ovarian cancer syndrome. Also called: BRCA1- and BRCA2-Associated Hereditary Breast and Ovarian Cancer; Hereditary breast and ovarian cancer syndrome (HBOC); Hereditary breast and ovarian cancer syndrome; Breast and ovarian cancer; Hereditary breast and ovarian cancer; Hereditary breast and/or ovarian cancer syndrome. Identifiers: Orphanet 145, MedGen C0677776, MeSH D061325, MONDO:0003582. Disease mechanism: loss of function.

gnomAD v4.1: 3 of 1,610,740 alleles (0.00019%); highest among the groups gnomAD compares: South Asian, 0.0033%; no homozygotes.

Submissions (4):

Color Diagnostics, LLC DBA Color Health
Classification: Uncertain significance for Hereditary cancer-predisposing syndrome. Last evaluated: 2025-09-09. Review status: criteria provided, single submitter. Criteria: ACMG Guidelines, 2015. Collection method: clinical testing. Allele origin: germline.
Comment: This missense variant replaces valine with leucine at codon 1665 of the BRCA1 protein. Computational prediction suggests that this variant may not impact protein structure and function. A functional study has reported that this variant has intermediate activity compared to benign and pathogenic controls in a haploid cell proliferation assay and no depletion of mRNA abundance (PMID: 30209399). To our knowledge, this variant has not been reported in individuals affected with BRCA1-related disorders in the literature. This variant has not been identified in the general population by the Genome Aggregation Database (gnomAD). The available evidence is insufficient to determine the role of this variant in disease conclusively. Therefore, this variant is classified as a Variant of Uncertain Significance.

Labcorp Genetics (formerly Invitae), Labcorp
Classification: Uncertain significance for Hereditary breast ovarian cancer syndrome. Last evaluated: 2025-08-29. Review status: criteria provided, single submitter. Criteria: Invitae Variant Classification Sherloc (09022015). Collection method: clinical testing. Allele origin: germline.
Comment: This sequence change replaces valine, which is neutral and non-polar, with leucine, which is neutral and non-polar, at codon 1665 of the BRCA1 protein (p.Val1665Leu). This variant is not present in population databases (gnomAD no frequency). This variant has not been reported in the literature in individuals affected with BRCA1-related conditions. ClinVar contains an entry for this variant (Variation ID: 825349). Invitae Evidence Modeling incorporating data from in vitro experimental studies (PMID: 30209399) indicates that this missense variant is not expected to disrupt BRCA1 function with a negative predictive value of 95%. Experimental studies have shown that this missense change does not substantially affect BRCA1 function (PMID: 30257991). In summary, the available evidence is currently insufficient to determine the role of this variant in disease. Therefore, it has been classified as a Variant of Uncertain Significance.

Ambry Genetics
Classification: Uncertain significance for Hereditary cancer-predisposing syndrome. Last evaluated: 2019-08-21. Review status: criteria provided, single submitter. Criteria: Ambry Variant Classification Scheme 2023. Collection method: clinical testing. Allele origin: germline.
Comment: The p.V1665L variant (also known as c.4993G>T), located in coding exon 15 of the BRCA1 gene, results from a G to T substitution at nucleotide position 4993. The valine at codon 1665 is replaced by leucine, an amino acid with highly similar properties. This amino acid position is highly conserved in available vertebrate species. In addition, the in silico prediction for this alteration is inconclusive. Since supporting evidence is limited at this time, the clinical significance of this alteration remains unclear.

Brotman Baty Institute, University of Washington
No classification provided (evidence only). Condition: Breast-ovarian cancer, familial 1. Review status: no classification provided. Collection method: in vitro. Allele origin: not applicable. Functional consequence: function_uncertain_variant. Not counted in ClinVar's aggregate classification.
ClinVar note: "not provided" was previously submitted as the classification for the variant. However, the classification appeared to be based only on an observation of functional data so it was converted to no classification on 2025-07-30.

Literature cited by the submitters: PubMed 30209399 (cited by Color Diagnostics, LLC DBA Color Health and Labcorp Genetics (formerly Invitae), Labcorp); PubMed 30257991 (cited by Labcorp Genetics (formerly Invitae), Labcorp).